The following is an entry in ClinVar:

ClinVar aggregate classification (germline): Likely benign. Review status: criteria provided, multiple submitters, no conflicts (2 of 4 stars). 2 submissions from 2 submitters: Likely benign (2). Last evaluated 2025-09-09.

Conditions:
CERKL-related disorder. Also called: CERKL-related condition.

Allele frequency attached by ClinVar (database versions not stated): gnomAD 0.00001; ExAC 0.00002; gnomAD exomes 0.00002; TOPMed 0.00002.
gnomAD v4.1: 30 of 1,556,976 alleles (0.0019%); highest among the groups gnomAD compares: Non-Finnish European, 0.0027%; no homozygotes.

Submissions (2):

Labcorp Genetics (formerly Invitae), Labcorp
Classification: Likely benign. Last evaluated: 2025-09-09. Review status: criteria provided, single submitter. Criteria: Invitae Variant Classification Sherloc (09022015). Collection method: clinical testing. Allele origin: germline.

PreventionGenetics, part of Exact Sciences
Classification: Likely benign for CERKL-related condition. Last evaluated: 2025-02-05. Review status: criteria provided, single submitter. Criteria: ACMG Guidelines, 2015. Collection method: clinical testing. Allele origin: germline.
Comment: This variant is classified as likely benign based on ACMG/AMP sequence variant interpretation guidelines (Richards et al. 2015 PMID: 25741868, with internal and published modifications).

NM_201548.5(CERKL):c.1538+9A>G

Gene: CERKL (CERK like autophagy regulator; minus strand). Cytogenetic location: 2q31.3.
Variant type: single nucleotide variant.
Coding change: c.1538+9A>G on transcript NM_201548.5 (MANE Select); 9 bases into the intron after coding-DNA position 1538, A replaced by G.
Molecular consequence: intron variant.
Genome position (GRCh38, 1-based): chr2:181,539,083, T>C on the plus strand (A>G on the coding strand, the complement: CERKL is on the minus strand). VCF-style: chr2-181539083-T-C. GRCh37 (hg19) VCF-style: chr2-182403810-T-C.
Other names: c.1199+9A>G (NM_001030312.3); c.1484+9A>G (NM_001160277.2); c.1331+9A>G (NM_001030313.3); c.1616+9A>G (NM_001030311.3, NM_001030311.2).
Identifiers: ClinVar variation 1159507 (VCV001159507.10), dbSNP rs756827673, ClinGen allele CA2010403.